The following is an entry in ClinVar:

ClinVar aggregate classification (germline): Uncertain significance. Review status: criteria provided, multiple submitters, no conflicts (2 of 4 stars). 3 submissions from 3 submitters: Uncertain significance (3). Last evaluated 2025-11-16.

Conditions:
Inborn genetic diseases. Identifiers: MedGen C0950123, MeSH D030342.

gnomAD v4.1: 60 of 1,613,424 alleles (0.0037%); highest among the groups gnomAD compares: South Asian, 0.037%; no homozygotes.

Submissions (3):

Labcorp Genetics (formerly Invitae), Labcorp
Classification: Uncertain significance. Last evaluated: 2025-11-16. Review status: criteria provided, single submitter. Criteria: Invitae Variant Classification Sherloc (09022015). Collection method: clinical testing. Allele origin: germline.
Comment: This sequence change replaces valine, which is neutral and non-polar, with methionine, which is neutral and non-polar, at codon 1146 of the CACNA1D protein (p.Val1146Met). This variant is present in population databases (rs778371783, gnomAD 0.04%). This variant has not been reported in the literature in individuals affected with CACNA1D-related conditions. ClinVar contains an entry for this variant (Variation ID: 2159753). Invitae Evidence Modeling of protein sequence and biophysical properties (such as structural, functional, and spatial information, amino acid conservation, physicochemical variation, residue mobility, and thermodynamic stability) indicates that this missense variant is not expected to disrupt CACNA1D protein function with a negative predictive value of 80%. In summary, the available evidence is currently insufficient to determine the role of this variant in disease. Therefore, it has been classified as a Variant of Uncertain Significance.

Ambry Genetics
Classification: Uncertain significance for Inborn genetic diseases. Last evaluated: 2024-11-09. Review status: criteria provided, single submitter. Criteria: Ambry Variant Classification Scheme 2023. Collection method: clinical testing. Allele origin: germline.

GeneDx
Classification: Uncertain significance. Last evaluated: 2024-05-29. Review status: criteria provided, single submitter. Criteria: GeneDx Variant Classification Process June 2021. Collection method: clinical testing. Allele origin: germline. Affected: yes.
Comment: In silico analysis supports that this missense variant has a deleterious effect on protein structure/function; Has not been previously published as pathogenic or benign to our knowledge

NM_001128840.3(CACNA1D):c.3376G>A (p.Val1126Met)

Genes: CACNA1D (calcium voltage-gated channel subunit alpha1 D; plus strand), LOC129936904 (ATAC-STARR-seq lymphoblastoid active region 19969; plus strand). Cytogenetic location: 3p21.1.
Variant type: single nucleotide variant.
Coding change: c.3376G>A on transcript NM_001128840.3 (MANE Select); coding-DNA position 3376, G replaced by A.
Protein change: p.Val1126Met; replaces valine 1126 with methionine.
Molecular consequence: missense variant.
Genome position (GRCh38, 1-based): chr3:53,749,329, G>A. VCF-style: chr3-53749329-G-A. GRCh37 (hg19) VCF-style: chr3-53783356-G-A.
Other names: c.3436G>A, p.Val1146Met (NM_000720.4); c.3376G>A, p.Val1126Met (NM_001128839.3); c.3436G>A (NM_000720.2); short protein forms V1126M, V1146M.
Identifiers: ClinVar variation 2159753 (VCV002159753.6), dbSNP rs778371783, ClinGen allele CA2454566.